The following is an entry in ClinVar:

NM_004360.5(CDH1):c.616A>C (p.Ile206Leu)

Gene: CDH1 (cadherin 1; plus strand). Cytogenetic location: 16q22.1.
Variant type: single nucleotide variant.
Coding change: c.616A>C on transcript NM_004360.5 (MANE Select); coding-DNA position 616, A replaced by C.
Protein change: p.Ile206Leu; replaces isoleucine 206 with leucine.
Molecular consequence: missense variant. On other transcripts: 5 prime UTR variant (2).
Genome position (GRCh38, 1-based): chr16:68,808,777, A>C. VCF-style: chr16-68808777-A-C. GRCh37 (hg19) VCF-style: chr16-68842680-A-C.
Other names: c.616A>C, p.Ile206Leu (NM_001317184.2); c.-1000A>C (NM_001317185.2); c.-1204A>C (NM_001317186.2); short protein forms I206L.
Identifiers: ClinVar variation 2772175 (VCV002772175.3), dbSNP rs1004655282, ClinGen allele CA283297181.

ClinVar aggregate classification (germline): Uncertain significance (1 of 4 stars; one submission).

Conditions:
Hereditary diffuse gastric adenocarcinoma (HDGC). Also called: DIFFUSE GASTRIC AND LOBULAR BREAST CANCER SYNDROME. Identifiers: Orphanet 26106, MedGen C1708349, MONDO:0007648, OMIM 137215.

Allele frequency attached by ClinVar (database versions not stated): TOPMed below 0.00001; gnomAD 0.00001.
gnomAD v4.1: 2 of 1,614,008 alleles (0.00012%); highest among the groups gnomAD compares: Non-Finnish European, 0.00017%; no homozygotes.

Submission:

Labcorp Genetics (formerly Invitae), Labcorp
Classification: Uncertain significance for Hereditary diffuse gastric adenocarcinoma. Last evaluated: 2023-10-28. Review status: criteria provided, single submitter. Criteria: Invitae Variant Classification Sherloc (09022015). Collection method: clinical testing. Allele origin: germline.
Comment: This sequence change replaces isoleucine, which is neutral and non-polar, with leucine, which is neutral and non-polar, at codon 206 of the CDH1 protein (p.Ile206Leu). This variant is not present in population databases (gnomAD no frequency). This variant has not been reported in the literature in individuals affected with CDH1-related conditions. An algorithm developed to predict the effect of missense changes on protein structure and function (PolyPhen-2) suggests that this variant is likely to be tolerated. In summary, the available evidence is currently insufficient to determine the role of this variant in disease. Therefore, it has been classified as a Variant of Uncertain Significance.